The following is an entry in ClinVar:

ClinVar aggregate classification (germline): Uncertain significance (1 of 4 stars; one submission).

Submission:

Labcorp Genetics (formerly Invitae), Labcorp
Classification: Uncertain significance. Last evaluated: 2024-01-17. Review status: criteria provided, single submitter. Criteria: Invitae Variant Classification Sherloc (09022015). Collection method: clinical testing. Allele origin: germline.
Comment: This sequence change replaces arginine, which is basic and polar, with proline, which is neutral and non-polar, at codon 71 of the RPL9 protein (p.Arg71Pro). This variant is not present in population databases (gnomAD no frequency). This variant has not been reported in the literature in individuals affected with RPL9-related conditions. An algorithm developed to predict the effect of missense changes on protein structure and function (PolyPhen-2) suggests that this variant is likely to be tolerated. In summary, the available evidence is currently insufficient to determine the role of this variant in disease. Therefore, it has been classified as a Variant of Uncertain Significance.

NM_000661.5(RPL9):c.212G>C (p.Arg71Pro)

Gene: RPL9 (ribosomal protein L9; minus strand). Cytogenetic location: 4p14.
Variant type: single nucleotide variant.
Coding change: c.212G>C on transcript NM_000661.5 (MANE Select); coding-DNA position 212, G replaced by C.
Protein change: p.Arg71Pro; replaces arginine 71 with proline.
Molecular consequence: missense variant.
Genome position (GRCh38, 1-based): chr4:39,457,632, C>G on the plus strand (G>C on the coding strand, the complement: RPL9 is on the minus strand). VCF-style: chr4-39457632-C-G. GRCh37 (hg19) VCF-style: chr4-39459252-C-G.
Other names: c.212G>C, p.Arg71Pro (NM_001024921.4); short protein forms R71P.
Identifiers: ClinVar variation 2809476 (VCV002809476.3), dbSNP rs1744160516, ClinGen allele CA356662591.